The following is an entry in ClinVar:

ClinVar aggregate classification (germline): Conflicting classifications of pathogenicity. Review status: criteria provided, conflicting classifications (1 of 4 stars). 3 submissions from 3 submitters: Uncertain significance (1); Benign (1). 1 of the submissions does not count toward it. Last evaluated 2026-01-25.

Conditions:
ERCC2-related disorder. Also called: ERCC2-related disorders; ERCC2-related conditions; ERCC2-related condition. Identifiers: MedGen CN239291.

Allele frequency attached by ClinVar (database versions not stated): gnomAD 0.00001 and 0.00015; TOPMed 0.00005; 1000 Genomes Project 0.00060; gnomAD exomes 0.00061; 1000 Genomes Project 30x 0.00062; ExAC 0.00063.

Submissions (3):

Labcorp Genetics (formerly Invitae), Labcorp
Classification: Benign. Last evaluated: 2026-01-25. Review status: criteria provided, single submitter. Criteria: Invitae Variant Classification Sherloc (09022015). Collection method: clinical testing. Allele origin: germline.

Genomic Research Center, Shahid Beheshti University of Medical Sciences
Classification: Uncertain significance for ERCC2-Related Disorders. Last evaluated: 2019-01-01. Review status: criteria provided, single submitter. Criteria: ACMG Guidelines, 2015. Collection method: clinical testing. Allele origin: unknown. Affected: yes. Observed: 1 variant allele.

ITMI
No classification provided. Condition: AllHighlyPenetrant. Last evaluated: 2013-09-19. Review status: no classification provided. Collection method: reference population. Allele origin: germline. Not counted in ClinVar's aggregate classification.
Comment: Please see associated publication for description of ethnicities

Literature cited by the submitters: PubMed 24728327 (cited by ITMI).

NM_000400.4(ERCC2):c.1195C>T (p.Leu399Phe)

Gene: ERCC2 (ERCC excision repair 2, TFIIH core complex helicase subunit; minus strand). Cytogenetic location: 19q13.32.
Variant type: single nucleotide variant.
Coding change: c.1195C>T on transcript NM_000400.4 (MANE Select); coding-DNA position 1195, C replaced by T.
Protein change: p.Leu399Phe; replaces leucine 399 with phenylalanine.
Molecular consequence: missense variant.
Genome position (GRCh38, 1-based): chr19:45,361,566, G>A on the plus strand (C>T on the coding strand, the complement: ERCC2 is on the minus strand). VCF-style: chr19-45361566-G-A. GRCh37 (hg19) VCF-style: chr19-45864824-G-A.
Other names: c.1123C>T, p.Leu375Phe (NM_001130867.2); short protein forms L399F, L375F.
Identifiers: ClinVar variation 134110 (VCV000134110.9), dbSNP rs551211003, ClinGen allele CA158797.